The following is an entry in ClinVar:

ClinVar aggregate classification (germline): Pathogenic (1 of 4 stars; one submission).

Submission:

Labcorp Genetics (formerly Invitae), Labcorp
Classification: Pathogenic. Last evaluated: 2024-02-25. Review status: criteria provided, single submitter. Criteria: Invitae Variant Classification Sherloc (09022015). Collection method: clinical testing. Allele origin: germline.
Comment: This sequence change creates a premature translational stop signal (p.Glu565Glyfs*27) in the LCA5 gene. While this is not anticipated to result in nonsense mediated decay, it is expected to disrupt the last 133 amino acid(s) of the LCA5 protein. This variant is not present in population databases (gnomAD no frequency). This variant has not been reported in the literature in individuals affected with LCA5-related conditions. This variant disrupts a region of the LCA5 protein in which other variant(s) (p.Lys586*) have been determined to be pathogenic (PMID: 23946133, 27624628). This suggests that this is a clinically significant region of the protein, and that variants that disrupt it are likely to be disease-causing. For these reasons, this variant has been classified as Pathogenic.

Literature cited by the submitters: PubMed 23946133; PubMed 27624628.

NM_001122769.3(LCA5):c.1694_1697del (p.Glu565fs)

Gene: LCA5 (lebercilin LCA5; minus strand). Cytogenetic location: 6q14.1.
Variant type: Microsatellite.
Coding change: c.1694_1697del on transcript NM_001122769.3 (MANE Select); coding-DNA positions 1694 to 1697, 4 bases deleted (AGAG; older notation c.1694_1697delAGAG).
Protein change: p.Glu565fs; shifts the reading frame from glutamic acid 565.
Molecular consequence: frameshift variant.
Genome position (GRCh38, 1-based): chr6:79,487,401-79,487,404, CTCT deleted on the plus strand (AGAG on the coding strand, the reverse complement: LCA5 is on the minus strand); deleting any 4 consecutive bases within chr6:79,487,401-79,487,406 gives the same sequence; the c. name uses the placement nearest the transcript's 3' end. VCF-style (leftmost placement, unchanged base first): chr6-79487400-CCTCT-C. GRCh37 (hg19) VCF-style: chr6-80197117-CCTCT-C.
Other names: c.1694_1697del, p.Glu565fs (NM_181714.4); short protein forms E565fs.
Identifiers: ClinVar variation 3642018 (VCV003642018.2).